The following is an entry in ClinVar:

ClinVar aggregate classification (germline): Conflicting classifications of pathogenicity. Review status: criteria provided, conflicting classifications (1 of 4 stars). 2 submissions from 2 submitters: Uncertain significance (1); Likely benign (1). Last evaluated 2026-08-01.

Conditions:
Intellectual developmental disorder, autosomal dominant 52. Also called: Mental retardation, autosomal dominant 52; Intellectual disability, autosomal dominant 52. Identifiers: MedGen C4540478, MONDO:0030918, OMIM 617796.

Allele frequency attached by ClinVar (database versions not stated): TOPMed 0.00005; gnomAD 0.00003 and 0.00004.
gnomAD v4.1: 52 of 1,614,022 alleles (0.0032%); highest among the groups gnomAD compares: Admixed American, 0.085%; no homozygotes.

Submissions (2):

CeGaT Center for Human Genetics Tuebingen
Classification: Likely benign. Last evaluated: 2026-08-01. Review status: criteria provided, single submitter. Criteria: CeGaT Center For Human Genetics Tuebingen Variant Classification Criteria Version 2. Collection method: clinical testing. Allele origin: germline. Affected: yes. Observed: 1 variant allele.
Comment: ASH1L: PP3, BS2

Baylor Genetics
Classification: Uncertain significance for Intellectual developmental disorder, autosomal dominant 52. Last evaluated: 2019-03-26. Review status: criteria provided, single submitter. Criteria: ACMG Guidelines, 2015. Collection method: clinical testing. Allele origin: paternal. Affected: yes.
Comment: This variant was determined to be of uncertain significance according to ACMG Guidelines, 2015 [PMID:25741868].

NM_018489.3(ASH1L):c.4601A>G (p.His1534Arg)

Gene: ASH1L (ASH1 like histone lysine methyltransferase; minus strand). Cytogenetic location: 1q22.
Variant type: single nucleotide variant.
Coding change: c.4601A>G on transcript NM_018489.3 (MANE Select); coding-DNA position 4601, A replaced by G.
Protein change: p.His1534Arg; replaces histidine 1534 with arginine.
Molecular consequence: missense variant.
Genome position (GRCh38, 1-based): chr1:155,478,269, T>C on the plus strand (A>G on the coding strand, the complement: ASH1L is on the minus strand). VCF-style: chr1-155478269-T-C. GRCh37 (hg19) VCF-style: chr1-155448060-T-C.
Other names: c.4601A>G, p.His1534Arg (NM_001366177.2); short protein forms H1534R.
Identifiers: ClinVar variation 1028598 (VCV001028598.2), dbSNP rs776962103, ClinGen allele CA1146914.